The following is an entry in ClinVar:

NM_006767.4(LZTR1):c.1357GAG[1] (p.Glu454del)

Gene: LZTR1 (leucine zipper like post translational regulator 1; plus strand). Cytogenetic location: 22q11.21.
Variant type: Microsatellite.
Coding change: c.1357GAG[1] on transcript NM_006767.4 (MANE Select); one copy of the 3-base unit GAG starting at c.1357; the reference has two copies in a row; one copy, 3 bases deleted; also written c.1360_1362del.
Protein change: p.Glu454del; deletes glutamic acid 454.
Molecular consequence: inframe deletion.
Genome position (GRCh38, 1-based): chr22:20,993,930-20,993,932, GAG deleted; deleting any 3 consecutive bases within chr22:20,993,925-20,993,932 gives the same sequence; the position shown is the placement nearest the transcript's 3' end. VCF-style (leftmost placement, unchanged base first): chr22-20993924-AAGG-A. GRCh37 (hg19) VCF-style: chr22-21348213-AAGG-A.
Other names: c.1360_1362del (NM_006767.4); short protein forms E454del.
Identifiers: ClinVar variation 1770818 (VCV001770818.9), dbSNP rs1569156873, ClinGen allele CA638942816.

ClinVar aggregate classification (germline): Uncertain significance. Review status: criteria provided, multiple submitters, no conflicts (2 of 4 stars). 3 submissions from 3 submitters: Uncertain significance (3). Last evaluated 2025-05-12.

Conditions:
Cardiovascular phenotype. Identifiers: MedGen CN230736.
Hereditary cancer-predisposing syndrome. Also called: Hereditary Cancer Syndrome; Hereditary neoplastic syndrome; Neoplastic Syndromes, Hereditary; Tumor predisposition. Identifiers: Orphanet 140162, MedGen C0027672, MeSH D009386, MONDO:0015356.
Noonan syndrome 10 (NS10). Identifiers: Orphanet 648, MedGen C4225280, MONDO:0014693, OMIM 616564.
Noonan syndrome 2 (NS2). Identifiers: Orphanet 648, MedGen C1854469, MONDO:0011531, OMIM 605275.
LZTR1-related schwannomatosis. Also called: Schwannomatosis 2; Schwannomatosis-2, susceptibility to. Identifiers: Orphanet 93921, MedGen C3810283, MONDO:0014299, OMIM 615670.

Submissions (3):

Labcorp Genetics (formerly Invitae), Labcorp
Classification: Uncertain significance. Last evaluated: 2025-05-12. Review status: criteria provided, single submitter. Criteria: Invitae Variant Classification Sherloc (09022015). Collection method: clinical testing. Allele origin: germline.
Comment: This variant, c.1360_1362del, results in the deletion of 1 amino acid(s) of the LZTR1 protein (p.Glu454del), but otherwise preserves the integrity of the reading frame. This variant is present in population databases (no rsID available, gnomAD 0.006%). This variant has not been reported in the literature in individuals affected with LZTR1-related conditions. Algorithms developed to predict the effect of sequence changes on RNA splicing suggest that this variant may create or strengthen a splice site. In summary, the available evidence is currently insufficient to determine the role of this variant in disease. Therefore, it has been classified as a Variant of Uncertain Significance.

Ambry Genetics
Classification: Uncertain significance for Cardiovascular phenotype; Hereditary cancer-predisposing syndrome. Last evaluated: 2025-01-09. Review status: criteria provided, single submitter. Criteria: Ambry Variant Classification Scheme 2023. Collection method: clinical testing. Allele origin: germline.
Comment: The c.1360_1362delGAG variant (also known as p.E454del) is located in coding exon 13 of the LZTR1 gene. This variant results from an in-frame GAG deletion at nucleotide positions 1360 to 1362. This results in the in-frame deletion of a glutamic acid at codon 454. This amino acid position is highly conserved in available vertebrate species. In addition, the in silico prediction for this alteration is inconclusive (Choi Y et al. PLoS ONE. 2012; 7(10):e46688). Based on the available evidence, the clinical significance of this variant remains unclear.

Fulgent Genetics
Classification: Uncertain significance for Noonan syndrome 2; LZTR1-related schwannomatosis; Noonan syndrome 10. Last evaluated: 2024-03-21. Review status: criteria provided, single submitter. Criteria: ACMG Guidelines, 2015. Collection method: clinical testing. Allele origin: germline.